The following is an entry in ClinVar:

NM_020631.6(PLEKHG5):c.1282-7G>A

Gene: PLEKHG5 (pleckstrin homology and RhoGEF domain containing G5; minus strand). Cytogenetic location: 1p36.31.
Variant type: single nucleotide variant.
Coding change: c.1282-7G>A on transcript NM_020631.6 (MANE Select); 7 bases into the intron before coding-DNA position 1282, G replaced by A.
Molecular consequence: intron variant.
Genome position (GRCh38, 1-based): chr1:6,471,107, C>T on the plus strand (G>A on the coding strand, the complement: PLEKHG5 is on the minus strand). VCF-style: chr1-6471107-C-T. GRCh37 (hg19) VCF-style: chr1-6531167-C-T.
Other names: c.1282-7G>A (NM_198681.4, NM_001265594.3, NM_001042664.2 and 1 more transcripts); c.1393-7G>A (NM_001042663.3, NM_001265592.2); c.1489-7G>A (NM_001265593.2).
Identifiers: ClinVar variation 1417778 (VCV001417778.9), dbSNP rs780551776, ClinGen allele CA561566.

ClinVar aggregate classification (germline): Uncertain significance. Review status: criteria provided, multiple submitters, no conflicts (2 of 4 stars). 2 submissions from 2 submitters: Uncertain significance (2). Last evaluated 2024-02-21.

Conditions:
Neuronopathy, distal hereditary motor, autosomal recessive 4. Also called: Autosomal recessive lower motor neuron disease with childhood onset; NEUROPATHY, DISTAL HEREDITARY MOTOR, AUTOSOMAL RECESSIVE 4. Identifiers: Orphanet 206580, MedGen C1970211, MONDO:0012608, OMIM 611067.
Charcot-Marie-Tooth disease recessive intermediate C. Also called: CHARCOT-MARIE-TOOTH NEUROPATHY, RECESSIVE INTERMEDIATE C. Identifiers: Orphanet 369867, MedGen C3809309, MONDO:0014154, OMIM 615376.

Allele frequency attached by ClinVar (database versions not stated): ExAC 0.00003.
gnomAD v4.1: 1 of 1,569,932 alleles (0.000064%); highest among the groups gnomAD compares: Non-Finnish European, 0.000086%; no homozygotes.

Submissions (2):

Blueprint Genetics
Classification: Uncertain significance. Last evaluated: 2024-02-21. Review status: criteria provided, single submitter. Criteria: ACMG Guidelines, 2015. Collection method: clinical testing. Allele origin: germline.

Labcorp Genetics (formerly Invitae), Labcorp
Classification: Uncertain significance for Neuronopathy, distal hereditary motor, autosomal recessive 4; Charcot-Marie-Tooth disease recessive intermediate C. Last evaluated: 2021-05-31. Review status: criteria provided, single submitter. Criteria: Invitae Variant Classification Sherloc (09022015). Collection method: clinical testing. Allele origin: germline.
Comment: This sequence change falls in intron 12 of the PLEKHG5 gene. It does not directly change the encoded amino acid sequence of the PLEKHG5 protein. In summary, the available evidence is currently insufficient to determine the role of this variant in disease. Therefore, it has been classified as a Variant of Uncertain Significance. Algorithms developed to predict the effect of sequence changes on RNA splicing suggest that this variant may disrupt the consensus splice site, but this prediction has not been confirmed by published transcriptional studies. This variant has not been reported in the literature in individuals with PLEKHG5-related conditions. This variant is present in population databases (rs780551776, ExAC 0.006%).